The following is an entry in ClinVar:

NM_020987.5(ANK3):c.655G>T (p.Ala219Ser)

Gene: ANK3 (ankyrin 3; minus strand). Cytogenetic location: 10q21.2.
Variant type: single nucleotide variant.
Coding change: c.655G>T on transcript NM_020987.5 (MANE Select); coding-DNA position 655, G replaced by T.
Protein change: p.Ala219Ser; replaces alanine 219 with serine.
Molecular consequence: missense variant.
Genome position (GRCh38, 1-based): chr10:60,263,879, C>A on the plus strand (G>T on the coding strand, the complement: ANK3 is on the minus strand). VCF-style: chr10-60263879-C-A. GRCh37 (hg19) VCF-style: chr10-62023637-C-A.
Other names: c.637G>T, p.Ala213Ser (NM_001204403.2); c.604G>T, p.Ala202Ser (NM_001204404.2); c.655G>T, p.Ala219Ser (NM_001320874.2); short protein forms A202S, A213S, A219S.
Identifiers: ClinVar variation 3373259 (VCV003373259.1).

ClinVar aggregate classification (germline): Uncertain significance (1 of 4 stars; one submission).

gnomAD v4.1: 1 of 1,614,092 alleles (0.000062%); highest among the groups gnomAD compares: Non-Finnish European, 0.000085%; no homozygotes.

Submission:

GeneDx
Classification: Uncertain significance. Last evaluated: 2024-04-29. Review status: criteria provided, single submitter. Criteria: GeneDx Variant Classification Process June 2021. Collection method: clinical testing. Allele origin: germline. Affected: yes.
Comment: Not observed at significant frequency in large population cohorts (gnomAD); In silico analysis supports that this missense variant has a deleterious effect on protein structure/function; Has not been previously published as pathogenic or benign to our knowledge